The following is an entry in ClinVar:

ClinVar aggregate classification (germline): Uncertain significance (1 of 4 stars; one submission).

Conditions:
Zellweger spectrum disorders (ZS). Also called: Zellweger Spectrum Disorder (ZSD); Zellweger syndrome; Zellweger Spectrum Disorder; Zellweger Spectrum. Identifiers: Orphanet 912, MedGen C0043459, MONDO:0019609.

Submission:

Labcorp Genetics (formerly Invitae), Labcorp
Classification: Uncertain significance for Zellweger spectrum disorders. Last evaluated: 2024-10-24. Review status: criteria provided, single submitter. Criteria: Invitae Variant Classification Sherloc (09022015). Collection method: clinical testing. Allele origin: germline.
Comment: This sequence change replaces histidine, which is basic and polar, with tyrosine, which is neutral and polar, at codon 846 of the PEX1 protein (p.His846Tyr). This variant is not present in population databases (gnomAD no frequency). This variant has not been reported in the literature in individuals affected with PEX1-related conditions. ClinVar contains an entry for this variant (Variation ID: 1403143). Invitae Evidence Modeling of protein sequence and biophysical properties (such as structural, functional, and spatial information, amino acid conservation, physicochemical variation, residue mobility, and thermodynamic stability) indicates that this missense variant is not expected to disrupt PEX1 protein function with a negative predictive value of 95%. In summary, the available evidence is currently insufficient to determine the role of this variant in disease. Therefore, it has been classified as a Variant of Uncertain Significance.

NM_000466.3(PEX1):c.2536C>T (p.His846Tyr)

Gene: PEX1 (peroxisomal biogenesis factor 1; minus strand). Cytogenetic location: 7q21.2.
Variant type: single nucleotide variant.
Coding change: c.2536C>T on transcript NM_000466.3 (MANE Select); coding-DNA position 2536, C replaced by T.
Protein change: p.His846Tyr; replaces histidine 846 with tyrosine.
Molecular consequence: missense variant.
Genome position (GRCh38, 1-based): chr7:92,501,554, G>A on the plus strand (C>T on the coding strand, the complement: PEX1 is on the minus strand). VCF-style: chr7-92501554-G-A. GRCh37 (hg19) VCF-style: chr7-92130868-G-A.
Other names: c.2365C>T, p.His789Tyr (NM_001282677.2); c.1912C>T, p.His638Tyr (NM_001282678.2); short protein forms H789Y, H846Y, H638Y.
Identifiers: ClinVar variation 1403143 (VCV001403143.5), dbSNP rs2116145200, ClinGen allele CA368175223.